The following is an entry in ClinVar:

ClinVar aggregate classification (germline): Likely pathogenic. Review status: criteria provided, single submitter (1 of 4 stars). 2 submissions from 2 submitters: Likely pathogenic (1). 1 of the submissions does not count toward it. Last evaluated 2025-06-02.

Conditions:
Long chain 3-hydroxyacyl-CoA dehydrogenase deficiency. Also called: Deficiency of long-chain 3-hydroxyacyl-coenzyme A dehydrogenase; LCHAD Deficiency. Identifiers: Orphanet 5, MedGen C3711645, MONDO:0012173, OMIM 609016.

Allele frequency attached by ClinVar (database versions not stated): gnomAD exomes below 0.00001.

Submissions (2):

Natera, Inc.
Classification: Likely pathogenic for Deficiency of long-chain 3-hydroxyacyl-coenzyme A dehydrogenase. Last evaluated: 2025-06-02. Review status: criteria provided, single submitter. Criteria: Natera Variant Classification Schema (03/2026). Collection method: clinical testing. Allele origin: germline.
Comment: The c.2059delA variant in HADHA is a frameshift variant predicted to shift the reading frame beginning at codon 687 and leads to a stop codon 43 codons downstream. This variant is expected to result in nonsense mediated decay, truncation, or a dysfunctional protein product. This variant is rare in the general population with a frequency below the threshold expected for the associated phenotype(s). This variant has been observed in one or more individuals affected with the associated recessive disease, as either homozygous or compound heterozygous with a second variant (PMID: 27652820). Given the available evidence, this variant is classified as Likely Pathogenic.

Counsyl
Classification: Likely pathogenic for Long chain 3-hydroxyacyl-CoA dehydrogenase deficiency. Last evaluated: 2017-07-05. Review status: no assertion criteria provided. Collection method: clinical testing. Allele origin: unknown. Not counted in ClinVar's aggregate classification.

Literature cited by the submitters: PubMed 27652820 (cited by Natera, Inc.).

NM_000182.5(HADHA):c.2059del (p.Met687fs)

Genes: GAREM2 (GRB2 associated regulator of MAPK1 subtype 2; plus strand), HADHA (hydroxyacyl-CoA dehydrogenase trifunctional multienzyme complex subunit alpha; minus strand). Cytogenetic location: 2p23.3.
Variant type: Deletion.
Coding change: c.2059del on transcript NM_000182.5 (MANE Select); coding-DNA position 2059, one base deleted (A; older notation c.2059delA).
Protein change: p.Met687fs; shifts the reading frame from methionine 687.
Molecular consequence: frameshift variant.
Genome position (GRCh38, 1-based): chr2:26,191,570, T deleted on the plus strand (A on the coding strand, the reverse complement: HADHA is on the minus strand). VCF-style (leftmost placement, unchanged base first): chr2-26191569-AT-A. GRCh37 (hg19) VCF-style: chr2-26414438-AT-A.
Other names: short protein forms M687fs.
Identifiers: ClinVar variation 552748 (VCV000552748.3), dbSNP rs1553311706, ClinGen allele CA658823094.